The following is an entry in ClinVar:

NM_005912.3(MC4R):c.704T>C (p.Ile235Thr)

Gene: MC4R (melanocortin 4 receptor; minus strand). Cytogenetic location: 18q21.32.
Variant type: single nucleotide variant.
Coding change: c.704T>C on transcript NM_005912.3 (MANE Select); coding-DNA position 704, T replaced by C.
Protein change: p.Ile235Thr; replaces isoleucine 235 with threonine.
Molecular consequence: missense variant.
Genome position (GRCh38, 1-based): chr18:60,371,646, A>G on the plus strand (T>C on the coding strand, the complement: MC4R is on the minus strand). VCF-style: chr18-60371646-A-G. GRCh37 (hg19) VCF-style: chr18-58038879-A-G.
Other names: short protein forms I235T.
Identifiers: ClinVar variation 4998087 (VCV004998087.1).

ClinVar aggregate classification (germline): Uncertain significance (1 of 4 stars; one submission).

Conditions:
MC4R-related disorder. Also called: MC4R-related condition.

Submission:

PreventionGenetics, part of Exact Sciences
Classification: Uncertain significance for MC4R-related condition. Last evaluated: 2024-12-02. Review status: criteria provided, single submitter. Criteria: ACMG Guidelines, 2015. Collection method: clinical testing. Allele origin: germline.
Comment: The MC4R c.704T>C variant is predicted to result in the amino acid substitution p.Ile235Thr. To our knowledge, this variant has not been reported in the literature. This variant is reported in 0.0054% of alleles in individuals of East Asian descent in gnomAD. At this time, the clinical significance of this variant is uncertain due to the absence of conclusive functional and genetic evidence.